The following is an entry in ClinVar:

ClinVar aggregate classification (germline): Conflicting classifications of pathogenicity. Review status: criteria provided, conflicting classifications (1 of 4 stars). 3 submissions from 3 submitters: Uncertain significance (2); Likely benign (1). Last evaluated 2025-07-30.

Conditions:
Hereditary cancer-predisposing syndrome. Also called: Neoplastic Syndromes, Hereditary; Tumor predisposition; Hereditary Cancer Syndrome; Hereditary neoplastic syndrome. Identifiers: Orphanet 140162, MedGen C0027672, MeSH D009386, MONDO:0015356.

Allele frequency attached by ClinVar (database versions not stated): gnomAD exomes 0.00002; TOPMed 0.00002; ExAC 0.00003.

Submissions (3):

Labcorp Genetics (formerly Invitae), Labcorp
Classification: Uncertain significance for Hereditary cancer-predisposing syndrome. Last evaluated: 2025-07-30. Review status: criteria provided, single submitter. Criteria: Invitae Variant Classification Sherloc (09022015). Collection method: clinical testing. Allele origin: germline.
Comment: This sequence change replaces glycine, which is neutral and non-polar, with arginine, which is basic and polar, at codon 406 of the RAD50 protein (p.Gly406Arg). This variant is present in population databases (rs747951988, gnomAD 0.02%). This variant has not been reported in the literature in individuals affected with RAD50-related conditions. ClinVar contains an entry for this variant (Variation ID: 233063). Invitae Evidence Modeling of protein sequence and biophysical properties (such as structural, functional, and spatial information, amino acid conservation, physicochemical variation, residue mobility, and thermodynamic stability) indicates that this missense variant is not expected to disrupt RAD50 protein function with a negative predictive value of 80%. In summary, the available evidence is currently insufficient to determine the role of this variant in disease. Therefore, it has been classified as a Variant of Uncertain Significance.

Quest Diagnostics Nichols Institute San Juan Capistrano
Classification: Uncertain significance. Last evaluated: 2023-10-10. Review status: criteria provided, single submitter. Criteria: Quest Diagnostics criteria. Collection method: clinical testing. Allele origin: unknown.

Ambry Genetics
Classification: Likely benign for Hereditary cancer-predisposing syndrome. Last evaluated: 2018-11-09. Review status: criteria provided, single submitter. Criteria: Ambry Variant Classification Scheme 2023. Collection method: clinical testing. Allele origin: germline.

NM_005732.4(RAD50):c.1216G>A (p.Gly406Arg)

Gene: RAD50 (RAD50 double strand break repair protein; plus strand). Cytogenetic location: 5q31.1.
Variant type: single nucleotide variant.
Coding change: c.1216G>A on transcript NM_005732.4 (MANE Select); coding-DNA position 1216, G replaced by A.
Protein change: p.Gly406Arg; replaces glycine 406 with arginine.
Molecular consequence: missense variant.
Genome position (GRCh38, 1-based): chr5:132,588,851, G>A. VCF-style: chr5-132588851-G-A. GRCh37 (hg19) VCF-style: chr5-131924543-G-A.
Other names: short protein forms G406R.
Identifiers: ClinVar variation 233063 (VCV000233063.16), dbSNP rs747951988, ClinGen allele CA3405127.